The following is an entry in ClinVar:

NM_005918.4(MDH2):c.109G>A (p.Gly37Arg)

Gene: MDH2 (malate dehydrogenase 2; plus strand). Cytogenetic location: 7q11.23.
Variant type: single nucleotide variant.
Coding change: c.109G>A on transcript NM_005918.4 (MANE Select); coding-DNA position 109, G replaced by A.
Protein change: p.Gly37Arg; replaces glycine 37 with arginine.
Molecular consequence: missense variant. On other transcripts: intron variant (1).
Genome position (GRCh38, 1-based): chr7:76,054,872, G>A. VCF-style: chr7-76054872-G-A. GRCh37 (hg19) VCF-style: chr7-75684190-G-A.
Other names: c.109G>A, p.Gly37Arg (NM_001282403.2); c.-86-2538G>A (NM_001282404.2); short protein forms G37R.
Identifiers: ClinVar variation 267277 (VCV000267277.5), dbSNP rs782308462, ClinGen allele CA4305423.

ClinVar aggregate classification (germline): Likely pathogenic. Review status: criteria provided, single submitter (1 of 4 stars). 2 submissions from 2 submitters: Likely pathogenic (1). 1 of the submissions does not count toward it. Last evaluated 2025-09-12.

Conditions:
Developmental and epileptic encephalopathy, 51 (DEE51). Also called: Epileptic encephalopathy, early infantile, 51. Identifiers: MedGen C4479208, MONDO:0015025, OMIM 617339.

Allele frequency attached by ClinVar (database versions not stated): TOPMed below 0.00001; gnomAD exomes 0.00001 and 0.00002; ExAC 0.00002; gnomAD 0.00003.
gnomAD v4.1: 26 of 1,614,078 alleles (0.0016%); highest among the groups gnomAD compares: Middle Eastern, 0.017%; no homozygotes.

Submissions (2):

Dasa
Classification: Likely pathogenic. Last evaluated: 2025-09-12. Review status: criteria provided, single submitter. Criteria: DASA Assertion Criteria. Collection method: clinical testing. Allele origin: germline.
Comment: NM_005918.4(MDH2):c.109G>A (p.Gly37Arg) is a missense variant that results in the substitution of glycine with arginine. This variant has been reported in individuals with MDH2-related disorders (PMID: 27989324). Functional evidence supports an impact on the gene or gene product. Also, this variant is rare in population databases. Computational evidence supports a deleterious effect. Based on the currently available evidence, this variant is classified as likely pathogenic.

OMIM
Classification: Pathogenic for DEVELOPMENTAL AND EPILEPTIC ENCEPHALOPATHY 51. Last evaluated: 2020-11-11. Review status: no assertion criteria provided. Collection method: literature only. Allele origin: germline. Not counted in ClinVar's aggregate classification.

Literature cited by the submitters: PubMed 27989324 (cited by Dasa and OMIM).